The following is an entry in ClinVar:

ClinVar aggregate classification (germline): Uncertain significance (1 of 4 stars; one submission).

Conditions:
Developmental and epileptic encephalopathy. Identifiers: MedGen C5779964, MONDO:0100620.

Submission:

Labcorp Genetics (formerly Invitae), Labcorp
Classification: Uncertain significance for Early-infantile DEE. Last evaluated: 2023-02-02. Review status: criteria provided, single submitter. Criteria: Invitae Variant Classification Sherloc (09022015). Collection method: clinical testing. Allele origin: unknown.
Comment: In summary, the available evidence is currently insufficient to determine the role of this variant in disease. Therefore, it has been classified as a Variant of Uncertain Significance. This variant has not been reported in the literature in individuals affected with HCN1-related conditions. This variant results in a copy number gain of the genomic region encompassing exon(s) 2-5 of the HCN1 gene. While the exact position of this variant cannot be determined from the data, sub-genic copy number gains are generally in tandem (PMID: 25640679). This variant is predicted to be out-of-frame, and may result in an absent or disrupted protein product. However, the current clinical and genetic evidence is not sufficient to establish whether loss-of-function variants in HCN1 cause disease.

Literature cited by the submitters: PubMed 25640679.

NC_000005.9:g.(?_45353182)_(45645730_?)dup

Gene: HCN1 (hyperpolarization activated cyclic nucleotide gated potassium channel 1; minus strand). Cytogenetic location: 5p12.
Variant type: Duplication.
Identifiers: ClinVar variation 3246311 (VCV003246311.1).